The following is an entry in ClinVar:

NM_000444.6(PHEX):c.807del (p.His269fs)

Gene: PHEX (phosphate regulating endopeptidase X-linked; plus strand). Cytogenetic location: Xp22.11.
Variant type: Deletion.
Coding change: c.807del on transcript NM_000444.6 (MANE Select); coding-DNA position 807, one base deleted (T; older notation c.807delT).
Protein change: p.His269fs; shifts the reading frame from histidine 269.
Molecular consequence: frameshift variant.
Genome position (GRCh38, 1-based): chrX:22,094,057, T deleted. VCF-style (leftmost placement, unchanged base first): chrX-22094056-AT-A. GRCh37 (hg19) VCF-style: chrX-22112174-AT-A.
Other names: c.807del, p.His269fs (NM_001282754.2); short protein forms H269fs.
Identifiers: ClinVar variation 1453146 (VCV001453146.8), dbSNP rs2147040206, ClinGen allele CA2573158752.

ClinVar aggregate classification (germline): Pathogenic (1 of 4 stars; one submission).

Submission:

Labcorp Genetics (formerly Invitae), Labcorp
Classification: Pathogenic. Last evaluated: 2025-10-27. Review status: criteria provided, single submitter. Criteria: Invitae Variant Classification Sherloc (09022015). Collection method: clinical testing. Allele origin: germline.
Comment: This sequence change creates a premature translational stop signal (p.His269Glnfs*3) in the PHEX gene. It is expected to result in an absent or disrupted protein product. Loss-of-function variants in PHEX are known to be pathogenic (PMID: 9097956, 9106524, 19219621). This variant is not present in population databases (gnomAD no frequency). This premature translational stop signal has been observed in individual(s) with hypophosphatemia (internal data). ClinVar contains an entry for this variant (Variation ID: 1453146). For these reasons, this variant has been classified as Pathogenic.

Literature cited by the submitters: PubMed 9097956; PubMed 9106524; PubMed 19219621.